The following is an entry in ClinVar:

NM_000064.4(C3):c.2863+5G>T

Gene: C3 (complement C3; minus strand). Cytogenetic location: 19p13.3.
Variant type: single nucleotide variant.
Coding change: c.2863+5G>T on transcript NM_000064.4 (MANE Select); 5 bases into the intron after coding-DNA position 2863, G replaced by T.
Molecular consequence: intron variant.
Genome position (GRCh38, 1-based): chr19:6,696,588, C>A on the plus strand (G>T on the coding strand, the complement: C3 is on the minus strand). VCF-style: chr19-6696588-C-A. GRCh37 (hg19) VCF-style: chr19-6696599-C-A.
Identifiers: ClinVar variation 1399932 (VCV001399932.6), dbSNP rs1042553640, ClinGen allele CA2573155962.

ClinVar aggregate classification (germline): Uncertain significance (1 of 4 stars; one submission).

Submission:

Labcorp Genetics (formerly Invitae), Labcorp
Classification: Uncertain significance. Last evaluated: 2024-02-24. Review status: criteria provided, single submitter. Criteria: Invitae Variant Classification Sherloc (09022015). Collection method: clinical testing. Allele origin: germline.
Comment: This sequence change falls in intron 22 of the C3 gene. It does not directly change the encoded amino acid sequence of the C3 protein. It affects a nucleotide within the consensus splice site. This variant is not present in population databases (gnomAD no frequency). This variant has not been reported in the literature in individuals affected with C3-related conditions. ClinVar contains an entry for this variant (Variation ID: 1399932). Variants that disrupt the consensus splice site are a relatively common cause of aberrant splicing (PMID: 17576681, 9536098). Algorithms developed to predict the effect of sequence changes on RNA splicing suggest that this variant may disrupt the consensus splice site. In summary, the available evidence is currently insufficient to determine the role of this variant in disease. Therefore, it has been classified as a Variant of Uncertain Significance.

Literature cited by the submitters: PubMed 17576681; PubMed 9536098.